The following is an entry in ClinVar:

NM_001134407.3(GRIN2A):c.2953C>T (p.Pro985Ser)

Gene: GRIN2A (glutamate ionotropic receptor NMDA type subunit 2A; minus strand). Cytogenetic location: 16p13.2.
Variant type: single nucleotide variant.
Coding change: c.2953C>T on transcript NM_001134407.3 (MANE Select); coding-DNA position 2953, C replaced by T.
Protein change: p.Pro985Ser; replaces proline 985 with serine.
Molecular consequence: missense variant.
Genome position (GRCh38, 1-based): chr16:9,764,591, G>A on the plus strand (C>T on the coding strand, the complement: GRIN2A is on the minus strand). VCF-style: chr16-9764591-G-A. GRCh37 (hg19) VCF-style: chr16-9858448-G-A.
Other names: c.2953C>T, p.Pro985Ser (NM_000833.5, NM_001134408.2); short protein forms P985S.
Identifiers: ClinVar variation 2662960 (VCV002662960.1), dbSNP rs2141135735, ClinGen allele CA394708986.

ClinVar aggregate classification (germline): Uncertain significance (1 of 4 stars; one submission).

Allele frequency attached by ClinVar (database versions not stated): gnomAD exomes below 0.00001.
gnomAD v4.1: 1 of 1,614,024 alleles (0.000062%); highest among the groups gnomAD compares: Non-Finnish European, 0.000085%; no homozygotes.

Submission:

GeneDx
Classification: Uncertain significance. Last evaluated: 2023-05-10. Review status: criteria provided, single submitter. Criteria: GeneDx Variant Classification Process June 2021. Collection method: clinical testing. Allele origin: germline. Affected: yes.
Comment: Not observed at significant frequency in large population cohorts (gnomAD); In silico analysis supports that this missense variant does not alter protein structure/function; Has not been previously published as pathogenic or benign to our knowledge